The following is an entry in ClinVar:

ClinVar aggregate classification (germline): Uncertain significance (1 of 4 stars; one submission).

Conditions:
Hypertrophic cardiomyopathy. Also called: HYPERTROPHIC MYOCARDIOPATHY. Identifiers: Orphanet 217569, MedGen C0007194, MeSH D002312, MONDO:0005045, HP:0001639.

Allele frequency attached by ClinVar (database versions not stated): gnomAD exomes below 0.00001; TOPMed below 0.00001; gnomAD 0.00001.
gnomAD v4.1: 3 of 1,613,738 alleles (0.00019%); highest among the groups gnomAD compares: South Asian, 0.0022%; no homozygotes.

Submission:

Labcorp Genetics (formerly Invitae), Labcorp
Classification: Uncertain significance for Hypertrophic cardiomyopathy. Last evaluated: 2022-02-12. Review status: criteria provided, single submitter. Criteria: Invitae Variant Classification Sherloc (09022015). Collection method: clinical testing. Allele origin: germline.
Comment: In summary, the available evidence is currently insufficient to determine the role of this variant in disease. Therefore, it has been classified as a Variant of Uncertain Significance. Algorithms developed to predict the effect of missense changes on protein structure and function are either unavailable or do not agree on the potential impact of this missense change (SIFT: "Deleterious"; PolyPhen-2: "Benign"; Align-GVGD: "Class C0"). This variant has not been reported in the literature in individuals affected with MYOM1-related conditions. This variant is not present in population databases (gnomAD no frequency). This sequence change replaces tyrosine, which is neutral and polar, with asparagine, which is neutral and polar, at codon 39 of the MYOM1 protein (p.Tyr39Asn).

NM_003803.4(MYOM1):c.115T>A (p.Tyr39Asn)

Gene: MYOM1 (myomesin 1; minus strand). Cytogenetic location: 18p11.31.
Variant type: single nucleotide variant.
Coding change: c.115T>A on transcript NM_003803.4 (MANE Select); coding-DNA position 115, T replaced by A.
Protein change: p.Tyr39Asn; replaces tyrosine 39 with asparagine.
Molecular consequence: missense variant.
Genome position (GRCh38, 1-based): chr18:3,215,109, A>T on the plus strand (T>A on the coding strand, the complement: MYOM1 is on the minus strand). VCF-style: chr18-3215109-A-T. GRCh37 (hg19) VCF-style: chr18-3215107-A-T.
Other names: c.115T>A, p.Tyr39Asn (NM_019856.2); short protein forms Y39N.
Identifiers: ClinVar variation 1970140 (VCV001970140.5), dbSNP rs2081247761, ClinGen allele CA401718247.